The following is an entry in ClinVar:

NM_000038.6(APC):c.523A>C (p.Thr175Pro)

Gene: APC (APC regulator of Wnt signaling pathway; plus strand). Cytogenetic location: 5q22.2.
Variant type: single nucleotide variant.
Coding change: c.523A>C on transcript NM_000038.6 (MANE Select); coding-DNA position 523, A replaced by C.
Protein change: p.Thr175Pro; replaces threonine 175 with proline.
Molecular consequence: missense variant. On other transcripts: 5 prime UTR variant (4), non-coding transcript variant (2).
Genome position (GRCh38, 1-based): chr5:112,775,729, A>C. VCF-style: chr5-112775729-A-C. GRCh37 (hg19) VCF-style: chr5-112111426-A-C.
Other names: c.523A>C, p.Thr175Pro (NM_001127510.3, NM_001354895.2, NM_001354896.2 and 16 more transcripts); c.553A>C, p.Thr185Pro (NM_001127511.3, NM_001354897.2, NM_001354902.2 and 1 more transcripts); c.448A>C, p.Thr150Pro (NM_001354898.2, NM_001354904.2, NM_001407451.1); c.346A>C, p.Thr116Pro (NM_001354900.2, NM_001354901.2, NM_001354905.2 and 1 more transcripts); c.-513A>C (NM_001354906.2, NM_001407470.1, NM_001407471.1 and 1 more transcripts); short protein forms T150P, T175P, T116P, T185P.
Identifiers: ClinVar variation 2790079 (VCV002790079.3), dbSNP rs2149616151, ClinGen allele CA16022469.
Genomic context (GRCh38, chr5:112,775,729, plus strand): 5'-AAAGACTGGTATTACGCTCAACTTCAGAATCTCACTAAAAGAATAGATAGTCTTCCTTTA[A>C]CTGAAAATGTAAGTAACTTGGCAGTACAACTTATTTGAAACTTTAATAACTTGATATTTT-3'
Protein context (NP_000029.2, residues 165-185): LTKRIDSLPL[Thr175Pro]ENFSLQTDMT

ClinVar aggregate classification (germline): Uncertain significance (1 of 4 stars; one submission).

Conditions:
Familial adenomatous polyposis 1 (FAP1). Also called: FAMILIAL ADENOMATOUS POLYPOSIS 1, ATTENUATED; POLYPOSIS, ADENOMATOUS INTESTINAL. Identifiers: MedGen C2713442, MONDO:0021056, OMIM 175100. Disease mechanism: loss of function.

Submission:

Labcorp Genetics (formerly Invitae), Labcorp
Classification: Uncertain significance for Familial adenomatous polyposis 1. Last evaluated: 2022-11-13. Review status: criteria provided, single submitter. Criteria: Invitae Variant Classification Sherloc (09022015). Collection method: clinical testing. Allele origin: germline.
Comment: This sequence change replaces threonine, which is neutral and polar, with proline, which is neutral and non-polar, at codon 175 of the APC protein (p.Thr175Pro). This variant is not present in population databases (gnomAD no frequency). This variant has not been reported in the literature in individuals affected with APC-related conditions. Advanced modeling of protein sequence and biophysical properties (such as structural, functional, and spatial information, amino acid conservation, physicochemical variation, residue mobility, and thermodynamic stability) performed at Invitae indicates that this missense variant is not expected to disrupt APC protein function. In summary, the available evidence is currently insufficient to determine the role of this variant in disease. Therefore, it has been classified as a Variant of Uncertain Significance.